The following is an entry in ClinVar:

NM_017415.3(KLHL3):c.*4421C>T

Gene: KLHL3 (kelch like family member 3; minus strand). Cytogenetic location: 5q31.2.
Variant type: single nucleotide variant.
Coding change: c.*4421C>T on transcript NM_017415.3 (MANE Select); 4421 bases downstream of the stop codon, C replaced by T.
Molecular consequence: 3 prime UTR variant.
Genome position (GRCh38, 1-based): chr5:137,617,677, G>A on the plus strand (C>T on the coding strand, the complement: KLHL3 is on the minus strand). VCF-style: chr5-137617677-G-A. GRCh37 (hg19) VCF-style: chr5-136953366-G-A.
Other names: c.*4421C>T (NM_001257194.1, NM_001257195.2).
Identifiers: ClinVar variation 904612 (VCV000904612.4), dbSNP rs185010344, ClinGen allele CA128091408.

ClinVar aggregate classification (germline): Benign (1 of 4 stars; one submission).

Conditions:
Pseudohypoaldosteronism type 2D (PHA2D). Also called: FAMILIAL HYPERKALEMIC HYPERTENSION; PSEUDOHYPOALDOSTERONISM, TYPE IID, AUTOSOMAL DOMINANT OR RECESSIVE; Pseudohypoaldosteronism Type IID. Identifiers: Orphanet 300525, Orphanet 757, MedGen C3469605, MONDO:0013781, OMIM 614495.

Allele frequency attached by ClinVar (database versions not stated): 1000 Genomes Project 30x 0.00062; 1000 Genomes Project 0.00080; TOPMed 0.00179; gnomAD 0.00184 and 0.00190.

Submission:

Illumina Laboratory Services, Illumina
Classification: Benign for Pseudohypoaldosteronism type 2D. Last evaluated: 2018-01-12. Review status: criteria provided, single submitter. Criteria: ICSL Variant Classification Criteria 13 December 2019. Collection method: clinical testing. Allele origin: germline.
Comment: This variant was observed in the ICSL laboratory as part of a predisposition screen in an ostensibly healthy population. It had not been previously curated by ICSL or reported in the Human Gene Mutation Database (HGMD: prior to June 1st, 2018), and was therefore a candidate for classification through an automated scoring system. Utilizing variant allele frequency, disease prevalence and penetrance estimates, and inheritance mode, an automated score was calculated to assess if this variant is too frequent to cause the disease. Based on the score and internal cut-off values, a variant classified as benign is not then subjected to further curation. The score for this variant resulted in a classification of benign for this disease.